The following is an entry in ClinVar:

NM_003742.4(ABCB11):c.2134T>C (p.Leu712=)

Gene: ABCB11 (ATP binding cassette subfamily B member 11; minus strand). Cytogenetic location: 2q31.1.
Variant type: single nucleotide variant.
Coding change: c.2134T>C on transcript NM_003742.4 (MANE Select); coding-DNA position 2134, T replaced by C.
Protein change: p.Leu712=; no amino-acid change (leucine 712 retained).
Molecular consequence: synonymous variant.
Genome position (GRCh38, 1-based): chr2:168,964,250, A>G on the plus strand (T>C on the coding strand, the complement: ABCB11 is on the minus strand). VCF-style: chr2-168964250-A-G. GRCh37 (hg19) VCF-style: chr2-169820760-A-G.
Other names: p.Leu712=; c.2134T>C, p.Leu712= (LRG_1199t1).
Identifiers: ClinVar variation 259146 (VCV000259146.67), dbSNP rs191649793, ClinGen allele CA1951361.
Genomic context (GRCh38, chr2:168,964,250, plus strand): 5'-GCAGTTGGTGCCTGACCTTTCTATCTTCTTCATAGGTAGACTTATGATCTACAACAGCTA[A>G]TGGAGGTTCGTGCACCAGGTAAGAAAGCTGAGACTTGGAGCGTTGCCGGATGGAAGCCCT-3'
Protein context (NP_003733.2, residues 702-722): QLSYLVHEPP[Leu712=]AVVDHKSTYE

ClinVar aggregate classification (germline): Benign/Likely benign. Review status: criteria provided, multiple submitters, no conflicts (2 of 4 stars). 12 submissions from 12 submitters: Benign (5); Likely benign (4). 3 of the submissions do not count toward it. Last evaluated 2026-09-01.

Conditions:
Familial intrahepatic cholestasis. Identifiers: Orphanet 284385, MedGen CN296401, MONDO:0017290.
Progressive familial intrahepatic cholestasis type 2. Identifiers: Orphanet 79304, MedGen C3489789, MONDO:0011156, OMIM 601847.

Allele frequency attached by ClinVar (database versions not stated): 1000 Genomes Project 30x 0.00156; 1000 Genomes Project 0.00180; gnomAD 0.00401 and 0.00407; TOPMed 0.00414; gnomAD exomes 0.00417; ESP Exome Variant Server 0.00428; ExAC 0.00885.
gnomAD v4.1: 7,886 of 1,570,236 alleles (0.5%); highest among the groups gnomAD compares: Middle Eastern, 1.2%; 39 homozygotes.

Submissions (12):

CeGaT Center for Human Genetics Tuebingen
Classification: Likely benign. Last evaluated: 2026-09-01. Review status: criteria provided, single submitter. Criteria: CeGaT Center For Human Genetics Tuebingen Variant Classification Criteria Version 2. Collection method: clinical testing. Allele origin: germline. Affected: yes. Observed: 11 variant alleles.
Comment: ABCB11: BP4, BP7, BS2

Genomenon, Inc
Classification: Benign for Familial intrahepatic cholestasis. Last evaluated: 2026-04-14. Review status: criteria provided, single submitter. Criteria: Genomenon Sequence Variant Interpretation Standards - Updated. Collection method: curation. Allele origin: germline. Affected: no.
Comment: ABCB11 c.2134T>C is a synonymous variant that retains Leucine at residue 712. This variant has been reported in the published literature (PMID:28733223;22795478;16763017). This variant has been observed in multiple homozygous individuals in gnomAD. This synonymous variant is not predicted to impact splicing. This variant's allele frequency in gnomAD is greater than expected for this disorder. In conclusion, we classify ABCB11 p.Leu712= (c.2134T>C) as a benign variant.

Labcorp Genetics (formerly Invitae), Labcorp
Classification: Benign. Last evaluated: 2026-02-04. Review status: criteria provided, single submitter. Criteria: Invitae Variant Classification Sherloc (09022015). Collection method: clinical testing. Allele origin: germline.

Mayo Clinic Laboratories, Mayo Clinic
Classification: Likely benign. Last evaluated: 2025-03-13. Review status: criteria provided, single submitter. Criteria: ACMG Guidelines, 2015. Collection method: clinical testing. Allele origin: germline. Observed: 2 variant alleles.
Comment: BS1, BP4, BP7

GeneDx
Classification: Likely benign. Last evaluated: 2018-01-22. Review status: criteria provided, single submitter. Criteria: GeneDx Variant Classification (06012015). Collection method: clinical testing. Allele origin: germline. Affected: yes.
Comment: This variant is considered likely benign or benign based on one or more of the following criteria: it is a conservative change, it occurs at a poorly conserved position in the protein, it is predicted to be benign by multiple in silico algorithms, and/or has population frequency not consistent with disease.

Illumina Laboratory Services, Illumina
Classification: Benign for Progressive familial intrahepatic cholestasis type 2. Last evaluated: 2018-01-12. Review status: criteria provided, single submitter. Criteria: ICSL Variant Classification Criteria 13 December 2019. Collection method: clinical testing. Allele origin: germline.
Comment: This variant was observed in the ICSL laboratory as part of a predisposition screen in an ostensibly healthy population. It had not been previously curated by ICSL or reported in the Human Gene Mutation Database (HGMD: prior to June 1st, 2018), and was therefore a candidate for classification through an automated scoring system. Utilizing variant allele frequency, disease prevalence and penetrance estimates, and inheritance mode, an automated score was calculated to assess if this variant is too frequent to cause the disease. Based on the score and internal cut-off values, a variant classified as benign is not then subjected to further curation. The score for this variant resulted in a classification of benign for this disease.

Eurofins Ntd Llc (ga)
Classification: Benign. Last evaluated: 2015-08-21. Review status: criteria provided, single submitter. Criteria: EGL Classification Definitions 2015. Collection method: clinical testing. Allele origin: germline. Observed: 2 variant alleles, 2 heterozygotes.

Breakthrough Genomics
Classification: Likely benign. Review status: criteria provided, single submitter. Criteria: ACMG Guidelines, 2015. Collection method: not provided. Allele origin: germline. Inheritance: Autosomal recessive inheritance. Affected: yes.

PreventionGenetics, part of Exact Sciences
Classification: Benign. Review status: criteria provided, single submitter. Criteria: ACMG Guidelines, 2015. Collection method: clinical testing. Allele origin: germline.

Natera, Inc.
Classification: Likely benign for Progressive familial intrahepatic cholestasis type 2. Last evaluated: 2019-12-02. Review status: no assertion criteria provided. Collection method: clinical testing. Allele origin: germline. Not counted in ClinVar's aggregate classification.

Clinical Genetics DNA and cytogenetics Diagnostics Lab, Erasmus MC, Erasmus Medical Center
Classification: Likely benign. Review status: no assertion criteria provided. Collection method: clinical testing. Allele origin: germline. Affected: yes. Study: VKGL Data-share Consensus. Not counted in ClinVar's aggregate classification.

Genome Diagnostics Laboratory, Amsterdam University Medical Center
Classification: Benign. Review status: no assertion criteria provided. Collection method: clinical testing. Allele origin: germline. Affected: yes. Study: VKGL Data-share Consensus. Not counted in ClinVar's aggregate classification.

Literature cited by the submitters: PubMed 28733223 (cited by Genomenon, Inc); PubMed 22795478 (cited by Genomenon, Inc); PubMed 16763017 (cited by Genomenon, Inc).